The following is an entry in ClinVar:

NM_005876.5(SPEG):c.4224C>A (p.Ser1408Arg)

Gene: SPEG (striated muscle enriched protein kinase; plus strand). Cytogenetic location: 2q35.
Variant type: single nucleotide variant.
Coding change: c.4224C>A on transcript NM_005876.5 (MANE Select); coding-DNA position 4224, C replaced by A.
Protein change: p.Ser1408Arg; replaces serine 1408 with arginine.
Molecular consequence: missense variant.
Genome position (GRCh38, 1-based): chr2:219,473,580, C>A. VCF-style: chr2-219473580-C-A. GRCh37 (hg19) VCF-style: chr2-220338302-C-A.
Other names: short protein forms S1408R.
Identifiers: ClinVar variation 1354066 (VCV001354066.6), dbSNP rs1362346842, ClinGen allele CA350676494.

ClinVar aggregate classification (germline): Uncertain significance (1 of 4 stars; one submission).

gnomAD v4.1: 1 of 1,614,184 alleles (0.000062%); highest among the groups gnomAD compares: Non-Finnish European, 0.000085%; no homozygotes.

Submission:

Labcorp Genetics (formerly Invitae), Labcorp
Classification: Uncertain significance. Last evaluated: 2021-10-05. Review status: criteria provided, single submitter. Criteria: Invitae Variant Classification Sherloc (09022015). Collection method: clinical testing. Allele origin: germline.
Comment: This variant is not present in population databases (ExAC no frequency). In summary, the available evidence is currently insufficient to determine the role of this variant in disease. Therefore, it has been classified as a Variant of Uncertain Significance. Algorithms developed to predict the effect of missense changes on protein structure and function output the following: SIFT: "Tolerated"; PolyPhen-2: "Benign"; Align-GVGD: "Class C0". The arginine amino acid residue is found in multiple mammalian species, which suggests that this missense change does not adversely affect protein function. This variant has not been reported in the literature in individuals affected with SPEG-related conditions. This sequence change replaces serine with arginine at codon 1408 of the SPEG protein (p.Ser1408Arg). The serine residue is moderately conserved and there is a moderate physicochemical difference between serine and arginine.